The following is an entry in ClinVar:

ClinVar aggregate classification (germline): Conflicting classifications of pathogenicity. Review status: criteria provided, conflicting classifications (1 of 4 stars). 2 submissions from 2 submitters: Uncertain significance (1); Likely benign (1). Last evaluated 2026-05-01.

Conditions:
Inborn genetic diseases. Identifiers: MedGen C0950123, MeSH D030342.

Submissions (2):

CeGaT Center for Human Genetics Tuebingen
Classification: Likely benign. Last evaluated: 2026-05-01. Review status: criteria provided, single submitter. Criteria: CeGaT Center For Human Genetics Tuebingen Variant Classification Criteria Version 2. Collection method: clinical testing. Allele origin: germline. Affected: yes. Observed: 1 variant allele.
Comment: EMILIN1: BP4

Ambry Genetics
Classification: Uncertain significance for Inborn genetic diseases. Last evaluated: 2025-06-07. Review status: criteria provided, single submitter. Criteria: Ambry Variant Classification Scheme 2023. Collection method: clinical testing. Allele origin: germline.

NM_007046.4(EMILIN1):c.1171G>A (p.Ala391Thr)

Gene: EMILIN1 (elastin microfibril interfacer 1; plus strand). Cytogenetic location: 2p23.3.
Variant type: single nucleotide variant.
Coding change: c.1171G>A on transcript NM_007046.4 (MANE Select); coding-DNA position 1171, G replaced by A.
Protein change: p.Ala391Thr; replaces alanine 391 with threonine.
Molecular consequence: missense variant.
Genome position (GRCh38, 1-based): chr2:27,082,742, G>A. VCF-style: chr2-27082742-G-A. GRCh37 (hg19) VCF-style: chr2-27305610-G-A.
Other names: short protein forms A391T.
Identifiers: ClinVar variation 2373466 (VCV002373466.5), dbSNP rs188761759, ClinGen allele CA1568646.